The following is an entry in ClinVar:

NM_000059.4(BRCA2):c.3968A>G (p.Lys1323Arg)

Gene: BRCA2 (BRCA2 DNA repair associated; plus strand). Cytogenetic location: 13q13.1.
Variant type: single nucleotide variant.
Coding change: c.3968A>G on transcript NM_000059.4 (MANE Select); coding-DNA position 3968, A replaced by G.
Protein change: p.Lys1323Arg; replaces lysine 1323 with arginine.
Molecular consequence: missense variant.
Genome position (GRCh38, 1-based): chr13:32,338,323, A>G. VCF-style: chr13-32338323-A-G. GRCh37 (hg19) VCF-style: chr13-32912460-A-G.
Other names: short protein forms K1323R.
Identifiers: ClinVar variation 642123 (VCV000642123.14), dbSNP rs1593901051, ClinGen allele CA387778927.

ClinVar aggregate classification (germline): Conflicting classifications of pathogenicity. Review status: criteria provided, conflicting classifications (1 of 4 stars). 4 submissions from 4 submitters: Uncertain significance (2); Likely benign (2). Last evaluated 2024-11-20.

Conditions:
Hereditary cancer-predisposing syndrome. Also called: Neoplastic Syndromes, Hereditary; Tumor predisposition; Hereditary neoplastic syndrome; Hereditary Cancer Syndrome. Identifiers: Orphanet 140162, MedGen C0027672, MeSH D009386, MONDO:0015356.
Hereditary breast ovarian cancer syndrome. Also called: Hereditary breast and ovarian cancer; Hereditary breast and ovarian cancer syndrome; Hereditary breast and ovarian cancer syndrome (HBOC); Hereditary breast and/or ovarian cancer syndrome; Breast and ovarian cancer; BRCA1- and BRCA2-Associated Hereditary Breast and Ovarian Cancer. Identifiers: Orphanet 145, MedGen C0677776, MeSH D061325, MONDO:0003582. Disease mechanism: loss of function.

Allele frequency attached by ClinVar (database versions not stated): TOPMed below 0.00001.

Submissions (4):

Labcorp Genetics (formerly Invitae), Labcorp
Classification: Uncertain significance for Hereditary breast ovarian cancer syndrome. Last evaluated: 2024-11-20. Review status: criteria provided, single submitter. Criteria: Invitae Variant Classification Sherloc (09022015). Collection method: clinical testing. Allele origin: germline.
Comment: This sequence change replaces lysine, which is basic and polar, with arginine, which is basic and polar, at codon 1323 of the BRCA2 protein (p.Lys1323Arg). This variant is not present in population databases (gnomAD no frequency). This missense change has been observed in individual(s) with ovarian cancer (PMID: 37013556). ClinVar contains an entry for this variant (Variation ID: 642123). Invitae Evidence Modeling of protein sequence and biophysical properties (such as structural, functional, and spatial information, amino acid conservation, physicochemical variation, residue mobility, and thermodynamic stability) indicates that this missense variant is not expected to disrupt BRCA2 protein function with a negative predictive value of 95%. In summary, the available evidence is currently insufficient to determine the role of this variant in disease. Therefore, it has been classified as a Variant of Uncertain Significance.

Ambry Genetics
Classification: Likely benign for Hereditary cancer-predisposing syndrome. Last evaluated: 2024-08-27. Review status: criteria provided, single submitter. Criteria: Ambry Variant Classification Scheme 2023. Collection method: clinical testing. Allele origin: germline.

Quest Diagnostics Nichols Institute San Juan Capistrano
Classification: Uncertain significance. Last evaluated: 2023-05-08. Review status: criteria provided, single submitter. Criteria: Quest Diagnostics criteria. Collection method: clinical testing. Allele origin: unknown.
Comment: It has not been reported in large, multi-ethnic general populations. In a breast cancer case-control study, the variant has been reported only in unaffected control individuals (PMID: 33471991 (2021)). Analysis of this variant using bioinformatics tools for the prediction of the effect of amino acid changes on protein structure and function yielded predictions that this variant is benign. Based on the available information, we are unable to determine the clinical significance of this variant.

University of Washington Department of Laboratory Medicine, University of Washington
Classification: Likely benign for Hereditary cancer-predisposing syndrome. Last evaluated: 2023-03-23. Review status: criteria provided, single submitter. Criteria: Dines et al. (Genet Med. 2020). Collection method: curation. Allele origin: germline.
Comment: Missense variant in a coldspot region where missense variants are very unlikely to be pathogenic (PMID:31911673).

BRCA2 exon 11 coldspot. Reclassification based on statistical prior probability.

Literature cited by the submitters: PubMed 37013556 (cited by Labcorp Genetics (formerly Invitae), Labcorp and Ambry Genetics); PubMed 31911673 (cited by Quest Diagnostics Nichols Institute San Juan Capistrano); PubMed 33471991 (cited by Quest Diagnostics Nichols Institute San Juan Capistrano).